The following is an entry in ClinVar:

ClinVar aggregate classification (germline): Pathogenic. Review status: criteria provided, multiple submitters, no conflicts (2 of 4 stars). 2 submissions from 2 submitters: Pathogenic (2). Last evaluated 2025-06-10.

Conditions:
Facioscapulohumeral muscular dystrophy 2 (FSHD2). Also called: FACIOSCAPULOHUMERAL MUSCULAR DYSTROPHY 2, DIGENIC; FSHD2, DIGENIC; MUSCULAR DYSTROPHY, FACIOSCAPULOHUMERAL, TYPE 1B. Identifiers: Orphanet 269, MedGen C1834671, MONDO:0008031, OMIM 158901.

Submissions (2):

GeneDx
Classification: Pathogenic. Last evaluated: 2025-06-10. Review status: criteria provided, single submitter. Criteria: GeneDx Variant Classification Process June 2021. Collection method: clinical testing. Allele origin: germline. Affected: yes.
Comment: Nonsense variant predicted to result in protein truncation or nonsense mediated decay in a gene for which loss of function is a known mechanism of disease; Not observed at significant frequency in large population cohorts (gnomAD); Has not been previously published as pathogenic or benign to our knowledge

Labcorp Genetics (formerly Invitae), Labcorp
Classification: Pathogenic for Facioscapulohumeral muscular dystrophy 2. Last evaluated: 2023-08-27. Review status: criteria provided, single submitter. Criteria: Invitae Variant Classification Sherloc (09022015). Collection method: clinical testing. Allele origin: germline.
Comment: This variant has not been reported in the literature in individuals affected with SMCHD1-related conditions. For these reasons, this variant has been classified as Pathogenic. ClinVar contains an entry for this variant (Variation ID: 532808). This variant is not present in population databases (gnomAD no frequency). This sequence change creates a premature translational stop signal (p.Gln1162*) in the SMCHD1 gene. It is expected to result in an absent or disrupted protein product. Loss-of-function variants in SMCHD1 are known to be pathogenic (PMID: 23143600).

Literature cited by the submitters: PubMed 23143600 (cited by Labcorp Genetics (formerly Invitae), Labcorp).

NM_015295.3(SMCHD1):c.3484C>T (p.Gln1162Ter)

Gene: SMCHD1 (structural maintenance of chromosomes flexible hinge domain containing 1; plus strand). Cytogenetic location: 18p11.32.
Variant type: single nucleotide variant.
Coding change: c.3484C>T on transcript NM_015295.3 (MANE Select); coding-DNA position 3484, C replaced by T.
Protein change: p.Gln1162Ter; replaces glutamine 1162 with a stop codon.
Molecular consequence: nonsense.
Genome position (GRCh38, 1-based): chr18:2,739,490, C>T. VCF-style: chr18-2739490-C-T. GRCh37 (hg19) VCF-style: chr18-2739488-C-T.
Other names: short protein forms Q1162*.
Identifiers: ClinVar variation 532808 (VCV000532808.7), dbSNP rs1555644339, ClinGen allele CA401687929.